The following is an entry in ClinVar:

NM_025114.4(CEP290):c.1824+81T>G

Gene: CEP290 (centrosomal protein 290; minus strand). Cytogenetic location: 12q21.32.
Variant type: single nucleotide variant.
Coding change: c.1824+81T>G on transcript NM_025114.4 (MANE Select); 81 bases into the intron after coding-DNA position 1824, T replaced by G.
Molecular consequence: intron variant.
Genome position (GRCh38, 1-based): chr12:88,116,952, A>C on the plus strand (T>G on the coding strand, the complement: CEP290 is on the minus strand). VCF-style: chr12-88116952-A-C. GRCh37 (hg19) VCF-style: chr12-88510729-A-C.
Identifiers: ClinVar variation 670927 (VCV000670927.2), dbSNP rs190820871, ClinGen allele CA241150419.

ClinVar aggregate classification (germline): Benign. Review status: criteria provided, multiple submitters, no conflicts (2 of 4 stars). 2 submissions from 2 submitters: Benign (2). Last evaluated 2018-06-16.

Allele frequency attached by ClinVar (database versions not stated): gnomAD exomes 0.02331; gnomAD 0.09885 and 0.10429; 1000 Genomes Project 0.10982; TOPMed 0.10983; 1000 Genomes Project 30x 0.11274.
gnomAD v4.1: 27,066 of 681,366 alleles (4%); highest among the groups gnomAD compares: African/African-American, 29%; 2,463 homozygotes.

Submissions (2):

GeneDx
Classification: Benign. Last evaluated: 2018-06-16. Review status: criteria provided, single submitter. Criteria: GeneDx Variant Classification (06012015). Collection method: clinical testing. Allele origin: germline. Affected: yes.
Comment: This variant is considered likely benign or benign based on one or more of the following criteria: it is a conservative change, it occurs at a poorly conserved position in the protein, it is predicted to be benign by multiple in silico algorithms, and/or has population frequency not consistent with disease.

Breakthrough Genomics
Classification: Benign. Review status: criteria provided, single submitter. Criteria: ACMG Guidelines, 2015. Collection method: not provided. Allele origin: germline. Inheritance: Autosomal recessive inheritance. Affected: yes.